The following is an entry in ClinVar:

ClinVar aggregate classification (germline): Uncertain significance (1 of 4 stars; one submission).

Submission:

GeneDx
Classification: Uncertain significance. Last evaluated: 2022-12-06. Review status: criteria provided, single submitter. Criteria: GeneDx Variant Classification Process June 2021. Collection method: clinical testing. Allele origin: germline. Affected: yes.
Comment: Not observed at significant frequency in large population cohorts (gnomAD); In silico analysis supports that this missense variant has a deleterious effect on protein structure/function; Has not been previously published as pathogenic or benign to our knowledge

NM_032217.5(ANKRD17):c.2003T>C (p.Leu668Pro)

Gene: ANKRD17 (ankyrin repeat domain 17; minus strand). Cytogenetic location: 4q13.3.
Variant type: single nucleotide variant.
Coding change: c.2003T>C on transcript NM_032217.5 (MANE Select); coding-DNA position 2003, T replaced by C.
Protein change: p.Leu668Pro; replaces leucine 668 with proline.
Molecular consequence: missense variant.
Genome position (GRCh38, 1-based): chr4:73,142,722, A>G on the plus strand (T>C on the coding strand, the complement: ANKRD17 is on the minus strand). VCF-style: chr4-73142722-A-G. GRCh37 (hg19) VCF-style: chr4-74008439-A-G.
Other names: c.1664T>C, p.Leu555Pro (NM_001286771.3); c.2003T>C, p.Leu668Pro (NM_015574.2, NM_198889.3); short protein forms L555P, L668P.
Identifiers: ClinVar variation 2504773 (VCV002504773.1), dbSNP rs2148823766, ClinGen allele CA357224349.